The following is an entry in ClinVar:

ClinVar aggregate classification (germline): Likely pathogenic (1 of 4 stars; one submission).

Conditions:
Developmental and epileptic encephalopathy, 42 (DEE42A). Also called: Epileptic encephalopathy, early infantile, 42; DEVELOPMENTAL AND EPILEPTIC ENCEPHALOPATHY 42A; EPILEPTIC ENCEPHALOPATHY, EARLY INFANTILE, 42A. Identifiers: MedGen C4310716, MONDO:0014917, OMIM 617106.

Submission:

Broad Center for Mendelian Genomics, Broad Institute of MIT and Harvard
Classification: Likely pathogenic for Developmental and epileptic encephalopathy, 42. Last evaluated: 2023-01-25. Review status: criteria provided, single submitter. Criteria: ACMG Guidelines, 2015. Collection method: curation. Allele origin: germline. Inheritance: Autosomal dominant inheritance.
Comment: Trio exome analysis showed this variant to be de novo. The p.Gln1679SerfsTer43 variant in CACNA1A has not been previously reported in individuals with developmental and epileptic encephalopathy 42. This variant was absent from large population studies. This variant is predicted to cause a frameshift, which alters the protein‚Äôs amino acid sequence beginning at position 1679 and leads to a premature termination codon 43 amino acids downstream. This alteration is then predicted to lead to a truncated or absent protein. Heterozygous loss of function of the CACNA1A gene is strongly associated to autosomal dominant developmental and epileptic encephalopathy 42. In summary, although additional studies are required to fully establish its clinical significance, this variant is likely pathogenic for developmental and epileptic encephalopathy 42. ACMG/AMP Criteria applied: PVS1_Strong, PS2_Supporting, PM2_Supporting (Richards 2015).

NM_001127222.2(CACNA1A):c.5033dup (p.Ile1679fs)

Gene: CACNA1A (calcium voltage-gated channel subunit alpha1 A; minus strand). Cytogenetic location: 19p13.13.
Variant type: Duplication.
Coding change: c.5033dup on transcript NM_001127222.2 (MANE Select); coding-DNA position 5033, one base duplicated (G; older notation c.5033dupG).
Protein change: p.Ile1679fs; shifts the reading frame from isoleucine 1679.
Molecular consequence: frameshift variant.
Genome position (GRCh38, 1-based): chr19:13,235,648, C duplicated on the plus strand (G on the coding strand, the reverse complement: CACNA1A is on the minus strand). VCF-style (leftmost placement, unchanged base first): chr19-13235647-G-GC. GRCh37 (hg19) VCF-style: chr19-13346461-G-GC.
Other names: NM_001127221.2:c.5036dup; c.5051dup, p.Ile1685fs (NM_000068.4, NM_023035.3); c.5036dup, p.Ile1680fs (NM_001127221.2); c.5042dup, p.Ile1682fs (NM_001174080.2); short protein forms I1685fs, I1679fs, I1680fs, I1682fs.
Identifiers: ClinVar variation 2412763 (VCV002412763.1), dbSNP rs2512649059, ClinGen allele CA2573332508.